The following is an entry in ClinVar:

NM_001142864.4(PIEZO1):c.1521G>C (p.Glu507Asp)

Genes: HSALR1 (HSP90AB1 associated lncRNA 1; plus strand), PIEZO1 (piezo type mechanosensitive ion channel component 1 (Er blood group); minus strand). Cytogenetic location: 16q24.3.
Variant type: single nucleotide variant.
Coding change: c.1521G>C on transcript NM_001142864.4 (MANE Select); coding-DNA position 1521, G replaced by C.
Protein change: p.Glu507Asp; replaces glutamic acid 507 with aspartic acid.
Molecular consequence: missense variant.
Genome position (GRCh38, 1-based): chr16:88,736,184, C>G on the plus strand (G>C on the coding strand, the complement: PIEZO1 is on the minus strand). VCF-style: chr16-88736184-C-G. GRCh37 (hg19) VCF-style: chr16-88802592-C-G.
Other names: short protein forms E507D.
Identifiers: ClinVar variation 3345702 (VCV003345702.1).

ClinVar aggregate classification (germline): Uncertain significance (0 of 4 stars; one submission).

Conditions:
PIEZO1-related disorder. Also called: PIEZO1-related condition; PIEZO1-Related Disorders.

Submission:

PreventionGenetics, part of Exact Sciences
Classification: Uncertain significance for PIEZO1-related condition. Last evaluated: 2024-04-11. Review status: no assertion criteria provided. Collection method: clinical testing. Allele origin: germline.
Comment: The PIEZO1 c.1521G>C variant is predicted to result in the amino acid substitution p.Glu507Asp. To our knowledge, this variant has not been reported in the literature or in a large population database, indicating this variant is rare. At this time, the clinical significance of this variant is uncertain due to the absence of conclusive functional and genetic evidence.